The following is an entry in ClinVar:

NM_001292063.2(OTOG):c.1059C>T (p.Val353=)

Gene: OTOG (otogelin; plus strand). Cytogenetic location: 11p15.1.
Variant type: single nucleotide variant.
Coding change: c.1059C>T on transcript NM_001292063.2 (MANE Select); coding-DNA position 1059, C replaced by T.
Protein change: p.Val353=; no amino-acid change (valine 353 retained).
Molecular consequence: synonymous variant.
Genome position (GRCh38, 1-based): chr11:17,558,600, C>T. VCF-style: chr11-17558600-C-T. GRCh37 (hg19) VCF-style: chr11-17580147-C-T.
Other names: c.1095C>T, p.Val365= (NM_001277269.2).
Identifiers: ClinVar variation 226859 (VCV000226859.21), dbSNP rs74921579, ClinGen allele CA5905445.

ClinVar aggregate classification (germline): Benign/Likely benign. Review status: criteria provided, multiple submitters, no conflicts (2 of 4 stars). 7 submissions from 7 submitters: Benign (5); Likely benign (1). 1 of the submissions does not count toward it. Last evaluated 2026-05-01.

Conditions:
OTOG-related disorder. Also called: OTOG-related condition.

Allele frequency attached by ClinVar (database versions not stated): gnomAD exomes 0.00037 and 0.00058; ExAC 0.00068; 1000 Genomes Project 0.00300; 1000 Genomes Project 30x 0.00312; gnomAD 0.00354 and 0.00385; TOPMed 0.00396.
gnomAD v4.1: 1,101 of 1,550,458 alleles (0.071%); highest among the groups gnomAD compares: African/African-American, 1.2%; 14 homozygotes.

Submissions (7):

CeGaT Center for Human Genetics Tuebingen
Classification: Benign. Last evaluated: 2026-05-01. Review status: criteria provided, single submitter. Criteria: CeGaT Center For Human Genetics Tuebingen Variant Classification Criteria Version 2. Collection method: clinical testing. Allele origin: germline. Affected: yes. Observed: 1 variant allele.
Comment: OTOG: BP4, BS1, BS2

Labcorp Genetics (formerly Invitae), Labcorp
Classification: Benign. Last evaluated: 2026-01-12. Review status: criteria provided, single submitter. Criteria: Invitae Variant Classification Sherloc (09022015). Collection method: clinical testing. Allele origin: germline.

Blueprint Genetics
Classification: Likely benign. Last evaluated: 2024-11-14. Review status: criteria provided, single submitter. Criteria: ACMG Guidelines, 2015. Collection method: clinical testing. Allele origin: germline.

GeneDx
Classification: Benign. Last evaluated: 2020-03-11. Review status: criteria provided, single submitter. Criteria: GeneDx Variant Classification Process June 2021. Collection method: clinical testing. Allele origin: germline. Affected: yes.

Laboratory for Molecular Medicine, Mass General Brigham Personalized Medicine
Classification: Benign. Last evaluated: 2014-11-24. Review status: criteria provided, single submitter. Criteria: LMM Criteria. Collection method: clinical testing. Allele origin: germline. Observed: 4 variant alleles.
Comment: Val365Val in exon 9 of OTOG: This variant is not expected to have clinical signi ficance because it does not alter an amino acid residue and is not located withi n the splice consensus sequence. It has been identified in 3.4% (6/176) of Yorub a (Nigerian) chromosomes from a broad population by the 1000 Genomes Project (dbSNP rs74921579).

Breakthrough Genomics
Classification: Benign. Review status: criteria provided, single submitter. Criteria: ACMG Guidelines, 2015. Collection method: not provided. Allele origin: germline. Inheritance: Autosomal recessive inheritance. Affected: yes.

PreventionGenetics, part of Exact Sciences
Classification: Benign for OTOG-related condition. Last evaluated: 2019-08-07. Review status: no assertion criteria provided. Collection method: clinical testing. Allele origin: germline. Not counted in ClinVar's aggregate classification.
Comment: This variant is classified as benign based on ACMG/AMP sequence variant interpretation guidelines (Richards et al. 2015 PMID: 25741868, with internal and published modifications).